The following is an entry in ClinVar:

ClinVar aggregate classification (germline): Uncertain significance (1 of 4 stars; one submission).

Allele frequency attached by ClinVar (database versions not stated): gnomAD exomes below 0.00001; TOPMed below 0.00001.
gnomAD v4.1: 1 of 1,614,220 alleles (0.000062%); highest among the groups gnomAD compares: Admixed American, 0.0017%; no homozygotes.

Submission:

Labcorp Genetics (formerly Invitae), Labcorp
Classification: Uncertain significance. Last evaluated: 2021-06-24. Review status: criteria provided, single submitter. Criteria: Invitae Variant Classification Sherloc (09022015). Collection method: clinical testing. Allele origin: germline.
Comment: This sequence change falls in intron 9 of the ADAMTS17 gene. It does not directly change the encoded amino acid sequence of the ADAMTS17 protein. It affects a nucleotide within the consensus splice site of the intron. This variant is not present in population databases (ExAC no frequency). This variant has not been reported in the literature in individuals with ADAMTS17-related conditions. Nucleotide substitutions within the consensus splice site are a relatively common cause of aberrant splicing (PMID: 17576681, 9536098). Algorithms developed to predict the effect of sequence changes on RNA splicing suggest that this variant is not likely to affect RNA splicing, but this prediction has not been confirmed by published transcriptional studies. In summary, the available evidence is currently insufficient to determine the role of this variant in disease. Therefore, it has been classified as a Variant of Uncertain Significance.

Literature cited by the submitters: PubMed 17576681; PubMed 9536098.

NM_139057.4(ADAMTS17):c.1322+3A>G

Gene: ADAMTS17 (ADAM metallopeptidase with thrombospondin type 1 motif 17; minus strand). Cytogenetic location: 15q26.3.
Variant type: single nucleotide variant.
Coding change: c.1322+3A>G on transcript NM_139057.4 (MANE Select); 3 bases into the intron after coding-DNA position 1322, A replaced by G.
Molecular consequence: intron variant.
Genome position (GRCh38, 1-based): chr15:100,155,177, T>C on the plus strand (A>G on the coding strand, the complement: ADAMTS17 is on the minus strand). VCF-style: chr15-100155177-T-C. GRCh37 (hg19) VCF-style: chr15-100695382-T-C.
Identifiers: ClinVar variation 1357820 (VCV001357820.3), dbSNP rs1330183561, ClinGen allele CA620101127.
Genomic context (GRCh38, chr15:100,155,177, plus strand): 5'-TACTTTTGTCTTTTGGAAGTACTTTTGATTGCATTCATCCTATAGAATAATTCCAGGACT[T>C]ACTTGAGGAAGTTTTCAAGGTCATCTCGGCTGCAGGAGGACCAAGAGAGGTCACTTGGGT-3'